The following is an entry in ClinVar:

ClinVar aggregate classification (germline): Uncertain significance (1 of 4 stars; one submission).

Submission:

CeGaT Center for Human Genetics Tuebingen
Classification: Uncertain significance. Last evaluated: 2024-08-01. Review status: criteria provided, single submitter. Criteria: CeGaT Center For Human Genetics Tuebingen Variant Classification Criteria Version 2. Collection method: clinical testing. Allele origin: germline. Affected: yes. Observed: 1 variant allele.
Comment: SYNE1: PM2, BP4

NM_182961.4(SYNE1):c.21829G>A (p.Asp7277Asn)

Gene: SYNE1 (spectrin repeat containing nuclear envelope protein 1; minus strand). Cytogenetic location: 6q25.2.
Variant type: single nucleotide variant.
Coding change: c.21829G>A on transcript NM_182961.4 (MANE Select); coding-DNA position 21829, G replaced by A.
Protein change: p.Asp7277Asn; replaces aspartic acid 7277 with asparagine.
Molecular consequence: missense variant.
Genome position (GRCh38, 1-based): chr6:152,220,874, C>T on the plus strand (G>A on the coding strand, the complement: SYNE1 is on the minus strand). VCF-style: chr6-152220874-C-T. GRCh37 (hg19) VCF-style: chr6-152542009-C-T.
Other names: c.21616G>A, p.Asp7206Asn (NM_033071.5); short protein forms D7206N, D7277N.
Identifiers: ClinVar variation 3341817 (VCV003341817.16).